The following is an entry in ClinVar:

NM_144997.7(FLCN):c.857T>C (p.Met286Thr)

Gene: FLCN (folliculin; minus strand). Cytogenetic location: 17p11.2.
Variant type: single nucleotide variant.
Coding change: c.857T>C on transcript NM_144997.7 (MANE Select); coding-DNA position 857, T replaced by C.
Protein change: p.Met286Thr; replaces methionine 286 with threonine.
Molecular consequence: missense variant.
Genome position (GRCh38, 1-based): chr17:17,221,551, A>G on the plus strand (T>C on the coding strand, the complement: FLCN is on the minus strand). VCF-style: chr17-17221551-A-G. GRCh37 (hg19) VCF-style: chr17-17124865-A-G.
Other names: c.911T>C, p.Met304Thr (NM_001353229.2); c.857T>C, p.Met286Thr (NM_001353230.2, NM_001353231.2, NM_144606.7); short protein forms M286T, M304T.
Identifiers: ClinVar variation 1392466 (VCV001392466.6), dbSNP rs2144931260, ClinGen allele CA398533643.

ClinVar aggregate classification (germline): Uncertain significance (1 of 4 stars; one submission).

Conditions:
Birt-Hogg-Dube syndrome. Also called: Birt Hogg Dubé syndrome. Identifiers: Orphanet 122, MedGen C0346010, MONDO:0800444.

Submission:

Labcorp Genetics (formerly Invitae), Labcorp
Classification: Uncertain significance for Birt-Hogg-Dube syndrome. Last evaluated: 2021-11-10. Review status: criteria provided, single submitter. Criteria: Invitae Variant Classification Sherloc (09022015). Collection method: clinical testing. Allele origin: germline.
Comment: This sequence change replaces methionine, which is neutral and non-polar, with threonine, which is neutral and polar, at codon 286 of the FLCN protein (p.Met286Thr). This variant is not present in population databases (gnomAD no frequency). This variant has not been reported in the literature in individuals affected with FLCN-related conditions. Algorithms developed to predict the effect of missense changes on protein structure and function are either unavailable or do not agree on the potential impact of this missense change (SIFT: "Deleterious"; PolyPhen-2: "Benign"; Align-GVGD: "Class C0"). In summary, the available evidence is currently insufficient to determine the role of this variant in disease. Therefore, it has been classified as a Variant of Uncertain Significance.